The following is an entry in ClinVar:

ClinVar aggregate classification (germline): Uncertain significance. Review status: criteria provided, multiple submitters, no conflicts (2 of 4 stars). 3 submissions from 3 submitters: Uncertain significance (3). Last evaluated 2026-08-17.

Conditions:
Cardiovascular phenotype. Identifiers: MedGen CN230736.
Atrioventricular septal defect 4 (AVSD4). Identifiers: MedGen C3280781, MONDO:0013747, OMIM 614430.

Allele frequency attached by ClinVar (database versions not stated): TOPMed 0.00004.
gnomAD v4.1: 3 of 1,416,670 alleles (0.00021%); highest among the groups gnomAD compares: African/African-American, 0.0045%; no homozygotes.

Submissions (3):

Ambry Genetics
Classification: Uncertain significance for Cardiovascular phenotype. Last evaluated: 2026-08-17. Review status: criteria provided, single submitter. Criteria: Ambry Variant Classification Scheme 2023. Collection method: clinical testing. Allele origin: germline.

Labcorp Genetics (formerly Invitae), Labcorp
Classification: Uncertain significance for Atrioventricular septal defect 4. Last evaluated: 2025-10-25. Review status: criteria provided, single submitter. Criteria: Invitae Variant Classification Sherloc (09022015). Collection method: clinical testing. Allele origin: germline.
Comment: This sequence change replaces glycine, which is neutral and non-polar, with valine, which is neutral and non-polar, at codon 79 of the GATA4 protein (p.Gly79Val). This variant is not present in population databases (gnomAD no frequency). This variant has not been reported in the literature in individuals affected with GATA4-related conditions. ClinVar contains an entry for this variant (Variation ID: 2040139). Invitae Evidence Modeling of protein sequence and biophysical properties (such as structural, functional, and spatial information, amino acid conservation, physicochemical variation, residue mobility, and thermodynamic stability) indicates that this missense variant is not expected to disrupt GATA4 protein function with a negative predictive value of 95%. In summary, the available evidence is currently insufficient to determine the role of this variant in disease. Therefore, it has been classified as a Variant of Uncertain Significance.

Revvity Omics, Revvity
Classification: Uncertain significance. Last evaluated: 2022-03-21. Review status: criteria provided, single submitter. Criteria: ACMG Guidelines, 2015. Collection method: clinical testing. Allele origin: germline.

NM_001308093.3(GATA4):c.236G>T (p.Gly79Val)

Gene: GATA4 (GATA binding protein 4). Cytogenetic location: 8p23.1.
Variant type: single nucleotide variant.
Coding change: c.236G>T on transcript NM_001308093.3 (MANE Select); coding-DNA position 236, G replaced by T.
Protein change: p.Gly79Val; replaces glycine 79 with valine.
Molecular consequence: missense variant. On other transcripts: intron variant (3).
Genome position (GRCh38, 1-based): chr8:11,708,548, G>T. VCF-style: chr8-11708548-G-T. GRCh37 (hg19) VCF-style: chr8-11566057-G-T.
Other names: c.236G>T, p.Gly79Val (NM_002052.5); c.-6+7770G>T (NM_001308094.2); c.-3+534G>T (NM_001374274.1); c.-3+4244G>T (NM_001374273.1); c.236G>T (NM_002052.3); short protein forms G79V.
Identifiers: ClinVar variation 2040139 (VCV002040139.11), dbSNP rs1015136328, ClinGen allele CA172074686.